The following is an entry in ClinVar:

ClinVar aggregate classification (germline): Likely benign. Review status: reviewed by expert panel (3 of 4 stars). 3 submissions from 3 submitters: Likely benign (1). 2 of the submissions do not count toward it. Last evaluated 2026-01-21.

Conditions:
Very long chain acyl-CoA dehydrogenase deficiency (ACADVLD). Also called: VLCAD Deficiency; Very Long-Chain Acyl-Coenzyme A Dehydrogenase Deficiency. Identifiers: Orphanet 26793, MedGen C3887523, MONDO:0008723, OMIM 201475.

Allele frequency attached by ClinVar (database versions not stated): gnomAD exomes 0.00004 and 0.00006; gnomAD 0.00007; ExAC 0.00011; TOPMed 0.00011; ESP Exome Variant Server 0.00015; 1000 Genomes Project 30x 0.00016.
gnomAD v4.1: 71 of 1,592,076 alleles (0.0045%); highest among the groups gnomAD compares: Middle Eastern, 0.1%; no homozygotes.

Submissions (3):

ClinGen ACADVL Variant Curation Expert Panel, ClinGen
Classification: Likely benign for Very long chain acyl-CoA dehydrogenase deficiency. Last evaluated: 2026-01-21. Review status: reviewed by expert panel. Criteria: ClinGen ACADVL ACMG Specifications ACADVL V2.1. Collection method: curation. Allele origin: germline. Inheritance: Autosomal recessive inheritance.
Comment: The c.63-31C>T (NM_000018.4) variant in ACADVL is an intronic variant which occurs in intron 1 and is not predicted by SpliceAI to impact splicing (BP4, BP7). To our knowledge, this variant has not been reported in the literature in any individuals with very long chain acyl CoA dehydrogenase (VLCAD) deficiency. The highest population minor allele frequency in gnomAD v4.1 is 0.001006 in the Middle Eastern population (PM2_Supporting, BS1, and BA1 are not met). In summary, this variant meets the criteria to be classified as likely benign for autosomal recessive VLCAD deficiency based on the ACMG/AMP criteria applied, as specified by the ClinGen ACADVL Variant Curation Expert Panel: BP4, BP7 (ACADVL VCEP specifications version 2.1.0; approved September 4, 2025).

ARUP Laboratories, Molecular Genetics and Genomics, ARUP Laboratories
Classification: Likely benign. Last evaluated: 2017-04-01. Review status: criteria provided, single submitter. Criteria: ARUP Molecular Germline Variant Investigation Process. Collection method: clinical testing. Allele origin: germline. Not counted in ClinVar's aggregate classification.

Counsyl
Classification: Likely benign for Very long chain acyl-CoA dehydrogenase deficiency. Last evaluated: 2017-12-15. Review status: no assertion criteria provided. Collection method: clinical testing. Allele origin: unknown. Not counted in ClinVar's aggregate classification.

NM_000018.4(ACADVL):c.63-31C>T

Genes: ACADVL (acyl-CoA dehydrogenase very long chain; plus strand), LOC130060113 (ATAC-STARR-seq lymphoblastoid silent region 8088; plus strand). Cytogenetic location: 17p13.1.
Variant type: single nucleotide variant.
Coding change: c.63-31C>T on transcript NM_000018.4 (MANE Select); 31 bases into the intron before coding-DNA position 63, C replaced by T.
Molecular consequence: intron variant. On other transcripts: 5 prime UTR variant (1).
Genome position (GRCh38, 1-based): chr17:7,220,091, C>T. VCF-style: chr17-7220091-C-T. GRCh37 (hg19) VCF-style: chr17-7123410-C-T.
Other names: c.-197C>T (NM_001270448.2); c.132-31C>T (NM_001270447.2); c.63-31C>T (NM_001033859.3).
Identifiers: ClinVar variation 439362 (VCV000439362.11), dbSNP rs372982295, ClinGen allele CA8337537.